The following is an entry in ClinVar:

NM_001142864.4(PIEZO1):c.3421G>A (p.Glu1141Lys)

Gene: PIEZO1 (piezo type mechanosensitive ion channel component 1 (Er blood group); minus strand). Cytogenetic location: 16q24.3.
Variant type: single nucleotide variant.
Coding change: c.3421G>A on transcript NM_001142864.4 (MANE Select); coding-DNA position 3421, G replaced by A.
Protein change: p.Glu1141Lys; replaces glutamic acid 1141 with lysine.
Molecular consequence: missense variant.
Genome position (GRCh38, 1-based): chr16:88,727,073, C>T on the plus strand (G>A on the coding strand, the complement: PIEZO1 is on the minus strand). VCF-style: chr16-88727073-C-T. GRCh37 (hg19) VCF-style: chr16-88793481-C-T.
Other names: short protein forms E1141K.
Identifiers: ClinVar variation 3614782 (VCV003614782.2).
Genomic context (GRCh38, chr16:88,727,073, plus strand): 5'-CCCGTGGAGGGTGACGTGGAACCCACCTGCAGTGGATAAAGTTGGGCACGGGGTTGGGCT[C>T]CCCCCGCAGCGGCTCCAGGCGGTCGGTGTTGACGCCAGCCATGCGCTGCCACTCCTCTGT-3'
Protein context (NP_001136336.2, residues 1131-1151): NTDRLEPLRG[Glu1141Lys]PNPVPNFIHC

ClinVar aggregate classification (germline): Uncertain significance (1 of 4 stars; one submission).

gnomAD v4.1: 4 of 1,549,136 alleles (0.00026%); highest among the groups gnomAD compares: Non-Finnish European, 0.00026%; no homozygotes.

Submission:

Labcorp Genetics (formerly Invitae), Labcorp
Classification: Uncertain significance. Last evaluated: 2024-12-24. Review status: criteria provided, single submitter. Criteria: Invitae Variant Classification Sherloc (09022015). Collection method: clinical testing. Allele origin: germline.
Comment: This sequence change replaces glutamic acid, which is acidic and polar, with lysine, which is basic and polar, at codon 1141 of the PIEZO1 protein (p.Glu1141Lys). This variant is not present in population databases (gnomAD no frequency). This variant has not been reported in the literature in individuals affected with PIEZO1-related conditions. Invitae Evidence Modeling of protein sequence and biophysical properties (such as structural, functional, and spatial information, amino acid conservation, physicochemical variation, residue mobility, and thermodynamic stability) indicates that this missense variant is not expected to disrupt PIEZO1 protein function with a negative predictive value of 80%. In summary, the available evidence is currently insufficient to determine the role of this variant in disease. Therefore, it has been classified as a Variant of Uncertain Significance.